The following is an entry in ClinVar:

ClinVar aggregate classification (germline): Uncertain significance (1 of 4 stars; one submission).

gnomAD v4.1: 4 of 1,325,080 alleles (0.0003%); highest among the groups gnomAD compares: South Asian, 0.002%; no homozygotes.

Submission:

GeneDx
Classification: Uncertain significance. Last evaluated: 2025-07-31. Review status: criteria provided, single submitter. Criteria: GeneDx Variant Classification Process June 2021. Collection method: clinical testing. Allele origin: germline.
Comment: Not observed at significant frequency in large population cohorts (gnomAD); In silico analysis supports that this missense variant has a deleterious effect on protein structure/function; Has not been previously published as pathogenic or benign to our knowledge

NM_001374828.1(ARID1B):c.1483C>T (p.Pro495Ser)

Gene: ARID1B (AT-rich interaction domain 1B; plus strand). Cytogenetic location: 6q25.3.
Variant type: single nucleotide variant.
Coding change: c.1483C>T on transcript NM_001374828.1 (MANE Select); coding-DNA position 1483, C replaced by T.
Protein change: p.Pro495Ser; replaces proline 495 with serine.
Molecular consequence: missense variant.
Genome position (GRCh38, 1-based): chr6:156,779,163, C>T. VCF-style: chr6-156779163-C-T. GRCh37 (hg19) VCF-style: chr6-157100297-C-T.
Other names: c.1483C>T, p.Pro495Ser (NM_001371656.1, NM_001374820.1, NM_017519.3); c.1234C>T (NM_020732.3); short protein forms P495S.
Identifiers: ClinVar variation 3364662 (VCV003364662.2).